The following is an entry in ClinVar:

ClinVar aggregate classification (germline): Uncertain significance (1 of 4 stars; one submission).

Submission:

Labcorp Genetics (formerly Invitae), Labcorp
Classification: Uncertain significance. Last evaluated: 2025-04-08. Review status: criteria provided, single submitter. Criteria: Invitae Variant Classification Sherloc (09022015). Collection method: clinical testing. Allele origin: germline.
Comment: This sequence change replaces alanine, which is neutral and non-polar, with valine, which is neutral and non-polar, at codon 95 of the PCK2 protein (p.Ala95Val). This variant is not present in population databases (gnomAD no frequency). This variant has not been reported in the literature in individuals affected with PCK2-related conditions. Invitae Evidence Modeling of protein sequence and biophysical properties (such as structural, functional, and spatial information, amino acid conservation, physicochemical variation, residue mobility, and thermodynamic stability) indicates that this missense variant is not expected to disrupt PCK2 protein function with a negative predictive value of 80%. In summary, the available evidence is currently insufficient to determine the role of this variant in disease. Therefore, it has been classified as a Variant of Uncertain Significance.

NM_004563.4(PCK2):c.284C>T (p.Ala95Val)

Genes: NRL (neural retina leucine zipper; minus strand), PCK2 (phosphoenolpyruvate carboxykinase 2, mitochondrial; plus strand). Cytogenetic location: 14q11.2.
Variant type: single nucleotide variant.
Coding change: c.284C>T on transcript NM_004563.4 (MANE Select); coding-DNA position 284, C replaced by T.
Protein change: p.Ala95Val; replaces alanine 95 with valine.
Molecular consequence: missense variant. On other transcripts: 5 prime UTR variant (2), intron variant (3).
Genome position (GRCh38, 1-based): chr14:24,098,211, C>T. VCF-style: chr14-24098211-C-T. GRCh37 (hg19) VCF-style: chr14-24567420-C-T.
Other names: c.284C>T, p.Ala95Val (NM_001018073.3); c.-119C>T (NM_001291556.2, NM_001308054.2); c.-27-15336G>A (NM_001354768.3, NM_001354770.2); c.-253-13466G>A (NM_006177.5); short protein forms A95V.
Identifiers: ClinVar variation 4745170 (VCV004745170.1).